The following is an entry in ClinVar:

NM_203475.3(PORCN):c.930T>G (p.Ser310=)

Gene: PORCN (porcupine O-acyltransferase; plus strand). Cytogenetic location: Xp11.23.
Variant type: single nucleotide variant.
Coding change: c.930T>G on transcript NM_203475.3 (MANE Select); coding-DNA position 930, T replaced by G.
Protein change: p.Ser310=; no amino-acid change (serine 310 retained).
Molecular consequence: synonymous variant.
Genome position (GRCh38, 1-based): chrX:48,514,609, T>G. VCF-style: chrX-48514609-T-G. GRCh37 (hg19) VCF-style: chrX-48372997-T-G.
Other names: c.684T>G, p.Ser228= (NM_001282167.2); c.897T>G, p.Ser299= (NM_022825.4); c.915T>G, p.Ser305= (NM_203473.3); c.912T>G, p.Ser304= (NM_203474.1).
Identifiers: ClinVar variation 589007 (VCV000589007.17), dbSNP rs186892397, ClinGen allele CA10402848.
Genomic context (GRCh38, chrX:48,514,609, plus strand): 5'-GAATGTGGAGCTGCCTCGGTCAATGGTGGAAGTTGTCACAAGCTGGAACCTGCCCATGTC[T>G]TATTGGCTAAATAACTGTGAGTCACCAAGTCACCACTCCAGCTGTGTTGGTAATCCAGGC-3'
Protein context (NP_982301.1, residues 300-320): EVVTSWNLPM[Ser310=]YWLNNYVFKN

ClinVar aggregate classification (germline): Benign/Likely benign. Review status: criteria provided, multiple submitters, no conflicts (2 of 4 stars). 4 submissions from 4 submitters: Benign (2); Likely benign (1). 1 of the submissions does not count toward it. Last evaluated 2026-02-01.

Conditions:
Inborn genetic diseases. Identifiers: MedGen C0950123, MeSH D030342.
PORCN-related disorder. Also called: PORCN-related condition.

Allele frequency attached by ClinVar (database versions not stated): gnomAD exomes 0.00021 and 0.00113; gnomAD 0.00030 and 0.00043; TOPMed 0.00043; ExAC 0.00107; 1000 Genomes Project 30x 0.00250; 1000 Genomes Project 0.00318.
gnomAD v4.1: 317 of 1,206,072 alleles (0.026%); highest among the groups gnomAD compares: East Asian, 0.71%; 2 homozygotes.

Submissions (4):

Labcorp Genetics (formerly Invitae), Labcorp
Classification: Benign. Last evaluated: 2026-02-01. Review status: criteria provided, single submitter. Criteria: Invitae Variant Classification Sherloc (09022015). Collection method: clinical testing. Allele origin: germline.

Blueprint Genetics
Classification: Likely benign. Last evaluated: 2024-10-23. Review status: criteria provided, single submitter. Criteria: ACMG Guidelines, 2015. Collection method: clinical testing. Allele origin: germline.

Ambry Genetics
Classification: Benign for Inborn genetic diseases. Last evaluated: 2017-05-02. Review status: criteria provided, single submitter. Criteria: Ambry Variant Classification Scheme 2023. Collection method: clinical testing. Allele origin: germline.

PreventionGenetics, part of Exact Sciences
Classification: Benign for PORCN-related condition. Last evaluated: 2019-09-04. Review status: no assertion criteria provided. Collection method: clinical testing. Allele origin: germline. Not counted in ClinVar's aggregate classification.
Comment: This variant is classified as benign based on ACMG/AMP sequence variant interpretation guidelines (Richards et al. 2015 PMID: 25741868, with internal and published modifications).